The following is an entry in ClinVar:

ClinVar aggregate classification (germline): Uncertain significance (1 of 4 stars; one submission).

Conditions:
CK syndrome. Also called: MENTAL RETARDATION, X-LINKED, WITH THIN BODY HABITUS AND CORTICAL MALFORMATION. Identifiers: Orphanet 251383, MedGen C3151781, MONDO:0010441, OMIM 300831.

gnomAD v4.1: 2 of 1,200,189 alleles (0.00017%); highest among the groups gnomAD compares: South Asian, 0.0018%; no homozygotes.

Submission:

Victorian Clinical Genetics Services, Murdoch Childrens Research Institute
Classification: Uncertain significance for CK syndrome. Last evaluated: 2026-05-21. Review status: criteria provided, single submitter. Criteria: ACMG Guidelines, 2015. Collection method: clinical testing. Allele origin: germline. Affected: yes.
Comment: This variant is classified as VUS-3A. Evidence in support of pathogenic classification: Variant is present in gnomAD <0.01 (v4: 2 heterozygote(s), 0 homozygote(s), 0 hemizygote(s)); Missense variant predicted to be damaging by in silico tool(s) or highly conserved with a major amino acid change. Additional information: Variant is predicted to result in a missense amino acid change from Gly to Glu; This variant is hemizygous; This gene is associated with both recessive and dominant disease. CHILD syndrome (MIM#308050) in inherited in an X-linked dominant manner where heterozygous females are affected and it is usually lethal in hemizygous males. CK syndrome (MIM#300831) is an X-linked disorder where hemizygous males survive and are affected while heterozygous females are typically unaffected or only mildly affected (PMIDs: 21129721, 21290788); Alternative amino acid change(s) at the same position are present in gnomAD (highest allele count: v2: 2 heterozygote(s), 0 homozygote(s), 0 hemizygote(s)); This variant has no previous evidence of pathogenicity; No published evidence of segregation with disease has been identified for this variant; No published functional evidence has been identified for this variant; Another missense variant(s) comparable to the one identified in this case has inconclusive previous evidence for pathogenicity. p.(Gly231Arg) has been classified as a VUS by a clinical laboratory in ClinVar; Variant is located in the annotated 3-beta hydroxysteroid dehydrogenase/isomerase family domain (DECIPHER); Loss of function is a known mechanism of disease in this gene and is associated with CHILD syndrome (MIM#308050) and CK syndrome (MIM#300831). The former is caused by complete loss of function variants, while the latter is caused by hypomorphic partial loss of function variants (PMIDs: 21129721, 21290788); Variants in this gene are known to have variable expressivity (PMID: 21290788).

Literature cited by the submitters: PubMed 21129721; PubMed 21290788.

NM_015922.3(NSDHL):c.692G>A (p.Gly231Glu)

Gene: NSDHL (NAD(P) dependent 3-beta-hydroxysteroid dehydrogenase NSDHL; plus strand). Cytogenetic location: Xq28.
Variant type: single nucleotide variant.
Coding change: c.692G>A on transcript NM_015922.3 (MANE Select); coding-DNA position 692, G replaced by A.
Protein change: p.Gly231Glu; replaces glycine 231 with glutamic acid.
Molecular consequence: missense variant.
Genome position (GRCh38, 1-based): chrX:152,867,576, G>A. VCF-style: chrX-152867576-G-A. GRCh37 (hg19) VCF-style: chrX-152036120-G-A.
Other names: c.692G>A, p.Gly231Glu (NM_001129765.2, NM_001441099.1); short protein forms G231E.
Identifiers: ClinVar variation 4879773 (VCV004879773.1).
Genomic context (GRCh38, chrX:152,867,576, plus strand): 5'-GGCCTTCGTGCAGGGGCTCCCAGCACGTATTCCATCATCCCTTGTGCACCTGCAGAAATG[G>A]GAAGAACTTGGTGGACTTCACCTTTGTGGAGAACGTGGTCCATGGACACATCCTGGCGGC-3'
Protein context (NP_057006.1, residues 221-241): NGKMKFVIGN[Gly231Glu]KNLVDFTFVE